The following is an entry in ClinVar:

NM_000136.3(FANCC):c.1384C>T (p.Leu462Phe)

Genes: AOPEP (aminopeptidase O (putative); plus strand), FANCC (FA complementation group C; minus strand). Cytogenetic location: 9q22.32.
Variant type: single nucleotide variant.
Coding change: c.1384C>T on transcript NM_000136.3 (MANE Select); coding-DNA position 1384, C replaced by T.
Protein change: p.Leu462Phe; replaces leucine 462 with phenylalanine.
Molecular consequence: missense variant.
Genome position (GRCh38, 1-based): chr9:95,107,215, G>A on the plus strand (C>T on the coding strand, the complement: FANCC is on the minus strand). VCF-style: chr9-95107215-G-A. GRCh37 (hg19) VCF-style: chr9-97869497-G-A.
Other names: c.1384C>T, p.Leu462Phe (NM_001243743.2); short protein forms L462F.
Identifiers: ClinVar variation 4824317 (VCV004824317.1).
Genomic context (GRCh38, chr9:95,107,215, plus strand): 5'-GAGCTCTGAGGTCTGTGTCTGTGCCCTGTCCTGCTACCGTCTGCAGGTCCTGGGCTGAGA[G>A]GCTGCTGCTTCTGGACATTGCCAGGAGGTGGCCCAGCACGGCCTTCACCTGGACCTGGGC-3'
Protein context (NP_000127.2, residues 452-472): HLLAMSRSSS[Leu462Phe]SAQDLQTVAG

ClinVar aggregate classification (germline): Uncertain significance (1 of 4 stars; one submission).

Conditions:
Hereditary cancer-predisposing syndrome. Also called: Neoplastic Syndromes, Hereditary; Hereditary neoplastic syndrome; Tumor predisposition; Hereditary Cancer Syndrome. Identifiers: Orphanet 140162, MedGen C0027672, MeSH D009386, MONDO:0015356.

Submission:

Ambry Genetics
Classification: Uncertain significance for Hereditary cancer-predisposing syndrome. Last evaluated: 2026-01-22. Review status: criteria provided, single submitter. Criteria: Ambry Variant Classification Scheme 2023. Collection method: clinical testing. Allele origin: germline.
Comment: The p.L462F variant (also known as c.1384C>T), located in coding exon 13 of the FANCC gene, results from a C to T substitution at nucleotide position 1384. The leucine at codon 462 is replaced by phenylalanine, an amino acid with highly similar properties. This amino acid position is conserved. In addition, this alteration is predicted to be tolerated by in silico analysis. Based on the available evidence, the clinical significance of this variant remains unclear.